The following is an entry in ClinVar:

NM_000232.5(SGCB):c.850C>T (p.Arg284Cys)

Gene: SGCB (sarcoglycan beta; minus strand). Cytogenetic location: 4q12.
Variant type: single nucleotide variant.
Coding change: c.850C>T on transcript NM_000232.5 (MANE Select); coding-DNA position 850, C replaced by T.
Protein change: p.Arg284Cys; replaces arginine 284 with cysteine.
Molecular consequence: missense variant.
Genome position (GRCh38, 1-based): chr4:52,024,064, G>A on the plus strand (C>T on the coding strand, the complement: SGCB is on the minus strand). VCF-style: chr4-52024064-G-A. GRCh37 (hg19) VCF-style: chr4-52890230-G-A.
Other names: short protein forms R284C.
Identifiers: ClinVar variation 1500752 (VCV001500752.6), dbSNP rs545065102, ClinGen allele CA2918260.
Genomic context (GRCh38, chr4:52,024,064, plus strand): 5'-TCTGGCTGGTTACTTGCACCTTGAAGAGCGTCCCATCAGCACACATGCAGAGCTTGTAGC[G>A]TACCCAGTCACCACTACCCAACTGGTCTCCACTGGAGGAACTGGGTAGGCGGGTGGTGCT-3'
Protein context (NP_000223.1, residues 274-294): GDQLGSGDWV[Arg284Cys]YKLCMCADGT

ClinVar aggregate classification (germline): Uncertain significance. Review status: criteria provided, multiple submitters, no conflicts (2 of 4 stars). 3 submissions from 3 submitters: Uncertain significance (3). Last evaluated 2022-05-04.

Conditions:
Autosomal recessive limb-girdle muscular dystrophy type 2E (LGMDR4). Also called: MUSCULAR DYSTROPHY, LIMB-GIRDLE, AUTOSOMAL RECESSIVE 4. Identifiers: Orphanet 119, MedGen C1858593, MONDO:0011423, OMIM 604286. Disease mechanism: Affects gamma-sarcoglycan and also disrupts the integrity of the entire sarcoglycan complex..

Allele frequency attached by ClinVar (database versions not stated): gnomAD 0.00002 and 0.00003; gnomAD exomes 0.00002 and 0.00004; ExAC 0.00003; TOPMed 0.00003; 1000 Genomes Project 30x 0.00016; 1000 Genomes Project 0.00020.
gnomAD v4.1: 37 of 1,613,886 alleles (0.0023%); highest among the groups gnomAD compares: East Asian, 0.011%; no homozygotes.

Submissions (3):

ARUP Laboratories, Molecular Genetics and Genomics, ARUP Laboratories
Classification: Uncertain significance for Autosomal recessive limb-girdle muscular dystrophy type 2E. Last evaluated: 2022-05-04. Review status: criteria provided, single submitter. Criteria: ARUP Molecular Germline Variant Investigation Process 2021. Collection method: clinical testing. Allele origin: germline.
Comment: The SGCB c.850C>T; p.Arg284Cys variant (rs545065102), to our knowledge, is not reported in the medical literature but is reported in ClinVar (Variation ID: 1500752). This variant is found in the general population with an overall allele frequency of 0.0035% (10/282,860 alleles) in the Genome Aggregation Database. The arginine at codon 284 is highly conserved, and computational analyses predict that this variant is deleterious (REVEL: 0.801). Due to limited information, the clinical significance of the p.Arg284Cys variant is uncertain at this time.

Labcorp Genetics (formerly Invitae), Labcorp
Classification: Uncertain significance for Autosomal recessive limb-girdle muscular dystrophy type 2E. Last evaluated: 2022-03-24. Review status: criteria provided, single submitter. Criteria: Invitae Variant Classification Sherloc (09022015). Collection method: clinical testing. Allele origin: germline.
Comment: This sequence change replaces arginine, which is basic and polar, with cysteine, which is neutral and slightly polar, at codon 284 of the SGCB protein (p.Arg284Cys). This variant is present in population databases (rs545065102, gnomAD 0.01%). This variant has not been reported in the literature in individuals affected with SGCB-related conditions. Algorithms developed to predict the effect of missense changes on protein structure and function (SIFT, PolyPhen-2, Align-GVGD) all suggest that this variant is likely to be disruptive. In summary, the available evidence is currently insufficient to determine the role of this variant in disease. Therefore, it has been classified as a Variant of Uncertain Significance.

Department of Pathology and Laboratory Medicine, Sinai Health System
Classification: Uncertain significance for Autosomal recessive limb-girdle muscular dystrophy type 2E. Last evaluated: 2022-01-21. Review status: criteria provided, single submitter. Criteria: ACMG Guidelines, 2015. Collection method: research. Allele origin: germline.